The following is an entry in ClinVar:

ClinVar aggregate classification (germline): Uncertain significance (0 of 4 stars; one submission).

Conditions:
CRB2-related disorder. Also called: CRB2-related disorders; CRB2-related condition.

Submission:

PreventionGenetics, part of Exact Sciences
Classification: Uncertain significance for CRB2-related condition. Last evaluated: 2024-07-09. Review status: no assertion criteria provided. Collection method: clinical testing. Allele origin: germline.
Comment: The CRB2 c.2707C>T variant is predicted to result in the amino acid substitution p.Arg903Cys. To our knowledge, this variant has not been reported in the literature. This variant is reported in 0.0025% of alleles in individuals of European (Non-Finnish) descent in gnomAD. While we suspect this variant to be pathogenic, at this time, the clinical significance of this variant is uncertain due to the absence of conclusive functional and genetic evidence.

NM_173689.7(CRB2):c.2707C>T (p.Arg903Cys)

Gene: CRB2 (crumbs cell polarity complex component 2; plus strand). Cytogenetic location: 9q33.3.
Variant type: single nucleotide variant.
Coding change: c.2707C>T on transcript NM_173689.7 (MANE Select); coding-DNA position 2707, C replaced by T.
Protein change: p.Arg903Cys; replaces arginine 903 with cysteine.
Molecular consequence: missense variant. On other transcripts: non-coding transcript variant (1).
Genome position (GRCh38, 1-based): chr9:123,373,238, C>T. VCF-style: chr9-123373238-C-T. GRCh37 (hg19) VCF-style: chr9-126135517-C-T.
Other names: short protein forms R903C.
Identifiers: ClinVar variation 3344429 (VCV003344429.1).
Genomic context (GRCh38, chr9:123,373,238, plus strand): 5'-AGCGGGCACAACGCGTCGTCAGGGCGCTTGCTCGGCGGCCTGTCGCTGGCCTTTCGCACG[C>T]GCGACTCCGAGGCCTGGCTGCTGCGTGCCGCGGCGGGCGCCCTGGAAGGCGTGTGGCTGG-3'
Protein context (NP_775960.4, residues 893-913): LGGLSLAFRT[Arg903Cys]DSEAWLLRAA